The following is an entry in ClinVar:

NM_001303052.2(MYT1L):c.2489G>A (p.Arg830Lys)

Gene: MYT1L (myelin transcription factor 1 like; minus strand). Cytogenetic location: 2p25.3.
Variant type: single nucleotide variant.
Coding change: c.2489G>A on transcript NM_001303052.2 (MANE Select); coding-DNA position 2489, G replaced by A.
Protein change: p.Arg830Lys; replaces arginine 830 with lysine.
Molecular consequence: missense variant.
Genome position (GRCh38, 1-based): chr2:1,889,272, C>T on the plus strand (G>A on the coding strand, the complement: MYT1L is on the minus strand). VCF-style: chr2-1889272-C-T. GRCh37 (hg19) VCF-style: chr2-1893044-C-T.
Other names: c.2489G>A, p.Arg830Lys (NM_001329844.2, NM_001329845.1, NM_001329851.3); c.2483G>A, p.Arg828Lys (NM_001329846.3, NM_001329847.2, NM_001329848.1 and 3 more transcripts); short protein forms R828K, R830K.
Identifiers: ClinVar variation 1699587 (VCV001699587.2), dbSNP rs2148851905, ClinGen allele CA345710531.

ClinVar aggregate classification (germline): Uncertain significance (1 of 4 stars; one submission).

gnomAD v4.1: 1 of 1,613,970 alleles (0.000062%); highest among the groups gnomAD compares: East Asian, 0.0022%; no homozygotes.

Submission:

GeneDx
Classification: Uncertain significance. Last evaluated: 2022-01-26. Review status: criteria provided, single submitter. Criteria: GeneDx Variant Classification Process June 2021. Collection method: clinical testing. Allele origin: germline. Affected: yes.
Comment: Identified in a patient with autism in the published literature (Guo et al., 2018); Not observed at significant frequency in large population cohorts (gnomAD); In silico analysis supports that this missense variant does not alter protein structure/function; This variant is associated with the following publications: (PMID: 30564305)